The following is an entry in ClinVar:

NM_018082.6(POLR3B):c.898G>A (p.Gly300Arg)

Gene: POLR3B (RNA polymerase III subunit B; plus strand). Cytogenetic location: 12q23.3.
Variant type: single nucleotide variant.
Coding change: c.898G>A on transcript NM_018082.6 (MANE Select); coding-DNA position 898, G replaced by A.
Protein change: p.Gly300Arg; replaces glycine 300 with arginine.
Molecular consequence: missense variant.
Genome position (GRCh38, 1-based): chr12:106,405,908, G>A. VCF-style: chr12-106405908-G-A. GRCh37 (hg19) VCF-style: chr12-106799686-G-A.
Other names: c.898G>A (NM_018082.5); c.724G>A, p.Gly242Arg (NM_001160708.2); short protein forms G300R, G242R.
Identifiers: ClinVar variation 2114379 (VCV002114379.5), dbSNP rs2136931980, ClinGen allele CA386386253.
Genomic context (GRCh38, chr12:106,405,908, plus strand): 5'-TTTTTATAGGCATTAAAATATATAGGGAACAAAGTAAGAAGGCAAAGGATGTGGGGAGGT[G>A]GACCAAAGAAAACCAAAATAGAAGAAGCAAGAGAGCTCCTGGCTTCCACCATTCTGACCC-3'
Protein context (NP_060552.4, residues 290-310): KVRRQRMWGG[Gly300Arg]PKKTKIEEAR

ClinVar aggregate classification (germline): Uncertain significance. Review status: criteria provided, multiple submitters, no conflicts (2 of 4 stars). 2 submissions from 2 submitters: Uncertain significance (2). Last evaluated 2024-10-09.

Submissions (2):

GeneDx
Classification: Uncertain significance. Last evaluated: 2024-10-09. Review status: criteria provided, single submitter. Criteria: GeneDx Variant Classification Process June 2021. Collection method: clinical testing. Allele origin: germline. Affected: yes.
Comment: Not observed at significant frequency in large population cohorts (gnomAD); In silico analysis indicates that this missense variant does not alter protein structure/function; Has not been previously published as pathogenic or benign to our knowledge

Labcorp Genetics (formerly Invitae), Labcorp
Classification: Uncertain significance. Last evaluated: 2024-02-23. Review status: criteria provided, single submitter. Criteria: Invitae Variant Classification Sherloc (09022015). Collection method: clinical testing. Allele origin: germline.
Comment: This sequence change replaces glycine, which is neutral and non-polar, with arginine, which is basic and polar, at codon 300 of the POLR3B protein (p.Gly300Arg). This variant is not present in population databases (gnomAD no frequency). This variant has not been reported in the literature in individuals affected with POLR3B-related conditions. ClinVar contains an entry for this variant (Variation ID: 2114379). Advanced modeling of protein sequence and biophysical properties (such as structural, functional, and spatial information, amino acid conservation, physicochemical variation, residue mobility, and thermodynamic stability) performed at Invitae indicates that this missense variant is not expected to disrupt POLR3B protein function with a negative predictive value of 80%. Algorithms developed to predict the effect of sequence changes on RNA splicing suggest that this variant may disrupt the consensus splice site. In summary, the available evidence is currently insufficient to determine the role of this variant in disease. Therefore, it has been classified as a Variant of Uncertain Significance.